The following is an entry in ClinVar:

NM_000400.4(ERCC2):c.1087C>G (p.Gln363Glu)

Gene: ERCC2 (ERCC excision repair 2, TFIIH core complex helicase subunit; minus strand). Cytogenetic location: 19q13.32.
Variant type: single nucleotide variant.
Coding change: c.1087C>G on transcript NM_000400.4 (MANE Select); coding-DNA position 1087, C replaced by G.
Protein change: p.Gln363Glu; replaces glutamine 363 with glutamic acid.
Molecular consequence: missense variant.
Genome position (GRCh38, 1-based): chr19:45,363,774, G>C on the plus strand (C>G on the coding strand, the complement: ERCC2 is on the minus strand). VCF-style: chr19-45363774-G-C. GRCh37 (hg19) VCF-style: chr19-45867032-G-C.
Other names: c.1015C>G, p.Gln339Glu (NM_001130867.2); short protein forms Q339E, Q363E.
Identifiers: ClinVar variation 1787964 (VCV001787964.2), dbSNP rs2514028404, ClinGen allele CA406372175.
Genomic context (GRCh38, chr19:45,363,774, plus strand): 5'-CCCACCCCGCGCGCTGTCTGGGGCCGCACCTGAGGGGCTTGCGCTGGATGCACACGCGCT[G>C]GGCCAGGCCGCTCAGGAAGGCGGGCGGGCTCTCCTGCACCACATGCTGCACACGCAGCCG-3'
Protein context (NP_000391.1, residues 353-373): SPPAFLSGLA[Gln363Glu]RVCIQRKPLR

ClinVar aggregate classification (germline): Uncertain significance (1 of 4 stars; one submission).

Conditions:
Inborn genetic diseases. Identifiers: MedGen C0950123, MeSH D030342.

Submission:

Ambry Genetics
Classification: Uncertain significance for Inborn genetic diseases. Last evaluated: 2022-08-02. Review status: criteria provided, single submitter. Criteria: Ambry Variant Classification Scheme 2023. Collection method: clinical testing. Allele origin: germline.
Comment: The p.Q363E variant (also known as c.1087C>G), located in coding exon 11 of the ERCC2 gene, results from a C to G substitution at nucleotide position 1087. The glutamine at codon 363 is replaced by glutamic acid, an amino acid with highly similar properties. This amino acid position is conserved. In addition, this alteration is predicted to be tolerated by in silico analysis. Since supporting evidence is limited at this time, the clinical significance of this alteration remains unclear.